The following is an entry in ClinVar:

NC_012920.1(MT-TE):m.14692A>G

Gene: MT-TE (mitochondrially encoded tRNA glutamic acid; minus strand).
Variant type: single nucleotide variant.
Genome position: chrM-14692-A-G.
Other names: 14692A-G.
Identifiers: ClinVar variation 267298 (VCV000267298.3), dbSNP rs879192165, ClinGen allele CA10590104.

ClinVar aggregate classification (germline): Uncertain significance. Review status: reviewed by expert panel (3 of 4 stars). 3 submissions from 3 submitters: Uncertain significance (1). 2 of the submissions do not count toward it. Last evaluated 2025-01-07.

Conditions:
Diabetes-deafness syndrome maternally transmitted (MIDD). Also called: NIDDM WITH DEAFNESS; NONINSULIN-DEPENDENT DIABETES MELLITUS WITH DEAFNESS; Ballinger Wallace syndrome; Diabetes mellitus type II with deafness; Maternally-inherited diabetes and deafness. Identifiers: Orphanet 225, MedGen C0342289, MONDO:0010785, OMIM 520000.
Mitochondrial disease. Also called: Mitochondrial disorders; Mitochondrial disorder. Identifiers: Orphanet 68380, MedGen C0751651, MeSH D028361, MONDO:0044970.

Submissions (3):

ClinGen Mitochondrial Disease Nuclear and Mitochondrial  Variant Curation Expert Panel, ClinGen
Classification: Uncertain significance for Mitochondrial disease. Last evaluated: 2025-01-07. Review status: reviewed by expert panel. Criteria: clingen mito disease acmg specifications v1-1. Collection method: curation. Allele origin: germline. Inheritance: Mitochondrial inheritance.
Comment: The m.14692A>G variant in MT-TE has been reported in four people with primary mitochondrial disease to date (PMIDs: 27519417, 32169613; PS4_supporting). Affected individuals had maternally inherited diabetes and deafness (MIDD). The variant was homoplasmic in blood in three individuals and heteroplasmy level was not reported in the fourth. The variant was homoplasmic in affected and unaffected family members. There are no reported de novo occurrences. Additional associations with this variant have been reported but are outside the scope of this curation, including as a modifier of Leber Hereditary Optic Neuropathy, LHON (PMID: 8728098), and associated with tic disorders (PMID: 33289513), hypertension (PMID: 27544295), and dilated cardiomyopathy (PMID: 34991096). There are several occurrences in population databases (MITOMAP’s GenBank sequences - 0.040%; gnomAD v3.1.2 - 0.002%, Helix dataset - 0.009%). Although there are several occurrences, the frequency is still low (PM2_supporting). The computational predictor MitoTIP suggests this variant is benign (2.4 percentile) and HmtVAR predicts it to be tolerated with a score of 0.1 (BP4). While there are no cybrids or single fiber studies reported on this variant, additional studies support a deleterious effect of this variant including those showing aberrant tRNA modification and conformation, decreased amount of tRNAGlu and decreased steady state levels of tRNAGlu, decreased mitochondrial protein amounts with those with higher proportion of glutamic acid residues having lower levels; and reductions (in the range of 56-72% of controls) in basal oxygen consumption rate (OCR), ATP-linked OCR, proton leak OCR, maximal OCR, reserve capacity, and non-mitochondrial OCR (PMID: 27519417). In summary, this variant meets criteria to be classified as uncertain significance for primary mitochondrial disease inherited in a mitochondrial manner. This classification was approved by the NICHD/NINDS U24 ClinGen Mitochondrial Disease Variant Curation Expert Panel on January 7, 2025. Mitochondrial DNA-specific ACMG/AMP criteria applied (PMID: 32906214): PS4_supporting, PM2_supporting, BP4.

Mendelics
Classification: Pathogenic for Mitochondrial disease. Last evaluated: 2022-05-04. Review status: criteria provided, single submitter. Criteria: Mendelics Assertion Criteria 2019. Collection method: clinical testing. Allele origin: germline. Not counted in ClinVar's aggregate classification.

OMIM
Classification: Pathogenic for DIABETES AND DEAFNESS, MATERNALLY INHERITED. Last evaluated: 2016-10-25. Review status: no assertion criteria provided. Collection method: literature only. Allele origin: germline. Not counted in ClinVar's aggregate classification.

Literature cited by the submitters: PubMed 27519417 (cited by OMIM).